The following is an entry in ClinVar:

NM_198253.3(TERT):c.2914C>T (p.Arg972Cys)

Gene: TERT (telomerase reverse transcriptase; minus strand). Cytogenetic location: 5p15.33.
Variant type: single nucleotide variant.
Coding change: c.2914C>T on transcript NM_198253.3 (MANE Select); coding-DNA position 2914, C replaced by T.
Protein change: p.Arg972Cys; replaces arginine 972 with cysteine.
Molecular consequence: missense variant. On other transcripts: non-coding transcript variant (2).
Genome position (GRCh38, 1-based): chr5:1,260,530, G>A on the plus strand (C>T on the coding strand, the complement: TERT is on the minus strand). VCF-style: chr5-1260530-G-A. GRCh37 (hg19) VCF-style: chr5-1260645-G-A.
Other names: c.2725C>T, p.Arg909Cys (NM_001193376.3); short protein forms R972C, R909C.
Identifiers: ClinVar variation 813589 (VCV000813589.5), dbSNP rs773537902, ClinGen allele CA3184346.

ClinVar aggregate classification (germline): Uncertain significance. Review status: criteria provided, multiple submitters, no conflicts (2 of 4 stars). 4 submissions from 4 submitters: Uncertain significance (3). 1 of the submissions does not count toward it. Last evaluated 2026-05-08.

Conditions:
Idiopathic Pulmonary Fibrosis. Also called: Idiopathic fibrosing alveolitis, chronic form; idiopathic fibrosing alveolitis. Identifiers: Orphanet 2032, MedGen C1800706, MeSH D054990, MONDO:0800504.
Dyskeratosis congenita, autosomal dominant 2. Identifiers: MedGen C3151443, MONDO:0013521, OMIM 613989.
Microcephaly. Also called: Microcephaly (disease). Identifiers: MedGen C4551563, MONDO:0001149, HP:0000252.
Dyskeratosis congenita. Identifiers: Orphanet 1775, MedGen C0265965, MONDO:0015780.

Allele frequency attached by ClinVar (database versions not stated): gnomAD exomes below 0.00001 and 0.00001; TOPMed below 0.00001; ExAC 0.00001; gnomAD 0.00001.
gnomAD v4.1: 3 of 1,614,068 alleles (0.00019%); highest among the groups gnomAD compares: Middle Eastern, 0.016%; no homozygotes.

Submissions (4):

Ambry Genetics
Classification: Uncertain significance for Dyskeratosis congenita. Last evaluated: 2026-05-08. Review status: criteria provided, single submitter. Criteria: Ambry Variant Classification Scheme 2023. Collection method: clinical testing. Allele origin: germline.
Comment: The p.R972C variant (also known as c.2914C>T), located in coding exon 12 of the TERT gene, results from a C to T substitution at nucleotide position 2914. The arginine at codon 972 is replaced by cysteine, an amino acid with highly dissimilar properties. This amino acid position is not well conserved in available vertebrate species. In addition, this alteration is predicted to be tolerated by in silico analysis. Based on the available evidence, the clinical significance of this variant remains unclear.

Labcorp Genetics (formerly Invitae), Labcorp
Classification: Uncertain significance for Dyskeratosis congenita, autosomal dominant 2; Idiopathic Pulmonary Fibrosis. Last evaluated: 2025-10-12. Review status: criteria provided, single submitter. Criteria: Invitae Variant Classification Sherloc (09022015). Collection method: clinical testing. Allele origin: germline.
Comment: This sequence change replaces arginine, which is basic and polar, with cysteine, which is neutral and slightly polar, at codon 972 of the TERT protein (p.Arg972Cys). This variant is present in population databases (rs773537902, gnomAD 0.003%). This missense change has been observed in individual(s) with clinical features of TERT-related conditions (PMID: 30426156). ClinVar contains an entry for this variant (Variation ID: 813589). Invitae Evidence Modeling of protein sequence and biophysical properties (such as structural, functional, and spatial information, amino acid conservation, physicochemical variation, residue mobility, and thermodynamic stability) has been performed for this missense variant. However, the output from this modeling did not meet the statistical confidence thresholds required to predict the impact of this variant on TERT protein function. In summary, the available evidence is currently insufficient to determine the role of this variant in disease. Therefore, it has been classified as a Variant of Uncertain Significance.

Baylor Genetics
Classification: Uncertain significance for Dyskeratosis congenita, autosomal dominant 2. Last evaluated: 2024-03-12. Review status: criteria provided, single submitter. Criteria: ACMG Guidelines, 2015. Collection method: clinical testing. Allele origin: unknown.

Department of Pediatrics, Samsung Medical Center, Samsung Medical Center
Classification: Uncertain significance for Microcephaly. Review status: no assertion criteria provided. Criteria: ACMG Guidelines, 2015. Collection method: research. Allele origin: germline. Affected: yes. Not counted in ClinVar's aggregate classification.

Literature cited by the submitters: PubMed 30426156 (cited by Labcorp Genetics (formerly Invitae), Labcorp).